The following is an entry in ClinVar:

ClinVar aggregate classification (germline): Uncertain significance (1 of 4 stars; one submission).

Conditions:
Lymphoproliferative syndrome 2 (LPFS2). Also called: Combined immunodeficiency due to CD27 deficiency; CD27 DEFICIENCY. Identifiers: Orphanet 238505, MedGen C3554540, MONDO:0014054, OMIM 615122.

Allele frequency attached by ClinVar (database versions not stated): TOPMed below 0.00001; ExAC 0.00001; gnomAD exomes 0.00001; ESP Exome Variant Server 0.00008.
gnomAD v4.1: 11 of 1,613,846 alleles (0.00068%); highest among the groups gnomAD compares: Non-Finnish European, 0.00093%; no homozygotes.

Submission:

Labcorp Genetics (formerly Invitae), Labcorp
Classification: Uncertain significance for Lymphoproliferative syndrome 2. Last evaluated: 2023-10-29. Review status: criteria provided, single submitter. Criteria: Invitae Variant Classification Sherloc (09022015). Collection method: clinical testing. Allele origin: germline.
Comment: This sequence change replaces glycine, which is neutral and non-polar, with arginine, which is basic and polar, at codon 36 of the CD27 protein (p.Gly36Arg). The frequency data for this variant in the population databases is considered unreliable, as metrics indicate poor data quality at this position in the gnomAD database. This variant has not been reported in the literature in individuals affected with CD27-related conditions. Advanced modeling of protein sequence and biophysical properties (such as structural, functional, and spatial information, amino acid conservation, physicochemical variation, residue mobility, and thermodynamic stability) performed at Invitae indicates that this missense variant is not expected to disrupt CD27 protein function with a negative predictive value of 80%. In summary, the available evidence is currently insufficient to determine the role of this variant in disease. Therefore, it has been classified as a Variant of Uncertain Significance.

NM_001242.5(CD27):c.106G>A (p.Gly36Arg)

Genes: CD27 (CD27 molecule; plus strand), CD27-AS1 (CD27 antisense RNA 1; minus strand). Cytogenetic location: 12p13.31.
Variant type: single nucleotide variant.
Coding change: c.106G>A on transcript NM_001242.5 (MANE Select); coding-DNA position 106, G replaced by A.
Protein change: p.Gly36Arg; replaces glycine 36 with arginine.
Molecular consequence: missense variant. On other transcripts: non-coding transcript variant (3), intron variant (3).
Genome position (GRCh38, 1-based): chr12:6,445,201, G>A. VCF-style: chr12-6445201-G-A. GRCh37 (hg19) VCF-style: chr12-6554367-G-A.
Other names: c.106G>A, p.Gly36Arg (NM_001413263.1, NM_001413264.1, NM_001413265.1); c.-402-223G>A (NM_001413267.1); c.-314-223G>A (NM_001413266.1, NM_001413268.1); short protein forms G36R.
Identifiers: ClinVar variation 2723436 (VCV002723436.1), dbSNP rs369839468, ClinGen allele CA6406869.
Genomic context (GRCh38, chr12:6,445,201, plus strand): 5'-GTGGGGCTCTCAGCTACTCCAGCCCCCAAGAGCTGCCCAGAGAGGCACTACTGGGCTCAG[G>A]GAAAGCTGTGCTGCCAGATGTGTGAGCCAGGTAAGAGGGGGCCTTGGTAAGGGCCAGGTG-3'
Protein context (NP_001233.2, residues 26-46): SCPERHYWAQ[Gly36Arg]KLCCQMCEPG